The following is an entry in ClinVar:

ClinVar aggregate classification (germline): Likely pathogenic. Review status: criteria provided, multiple submitters, no conflicts (2 of 4 stars). 2 submissions from 2 submitters: Likely pathogenic (2). Last evaluated 2022-06-21.

Conditions:
Infantile neuroaxonal dystrophy (NBIA2A). Also called: SEITELBERGER DISEASE; Infantile neuroaxonal dystrophy 1; NEURODEGENERATION WITH BRAIN IRON ACCUMULATION 2A. Identifiers: Orphanet 35069, MedGen C0270724, MONDO:0024457, OMIM 256600.

Submissions (2):

GeneDx
Classification: Likely pathogenic. Last evaluated: 2022-06-21. Review status: criteria provided, single submitter. Criteria: GeneDx Variant Classification Process June 2021. Collection method: clinical testing. Allele origin: germline. Affected: yes.
Comment: Not observed at significant frequency in large population cohorts (gnomAD); In silico analysis, which includes protein predictors and evolutionary conservation, supports a deleterious effect; In silico analysis, which includes splice predictors and evolutionary conservation, suggests this variant may impact gene splicing. In the absence of RNA/functional studies, the actual effect of this sequence change is unknown.; Has not been previously published as pathogenic or benign to our knowledge

Mendelics
Classification: Likely pathogenic for Infantile neuroaxonal dystrophy. Last evaluated: 2019-05-28. Review status: criteria provided, single submitter. Criteria: Mendelics Assertion Criteria 2017. Collection method: clinical testing. Allele origin: unknown.

NC_000022.10:g.38511626C>T

Gene: PLA2G6 (phospholipase A2 group VI; minus strand). Cytogenetic location: 22q13.1.
Variant type: single nucleotide variant.
Molecular consequence: missense variant (on NM_003560.4).
Genome position: GRCh38 VCF-style: chr22-38115619-C-T. GRCh37 (hg19) VCF-style: chr22-38511626-C-T.
Other names: c.1780G>A, p.Gly594Arg (NM_001004426.3, NM_001199562.3, NM_001349865.2 and 1 more transcripts); c.1942G>A, p.Gly648Arg (NM_001349864.2, NM_003560.4); c.1408G>A, p.Gly470Arg (NM_001349867.2); c.1264G>A, p.Gly422Arg (NM_001349868.2); c.1246G>A, p.Gly416Arg (NM_001349869.2); short protein forms G648R, G422R, G470R, G594R, G416R.
Identifiers: ClinVar variation 242578 (VCV000242578.5), dbSNP rs794729212, ClinGen allele CA358493.